The following is an entry in ClinVar:

NM_001364905.1(LRBA):c.205_206del (p.Val69fs)

Gene: LRBA (LPS responsive beige-like anchor protein; minus strand). Cytogenetic location: 4q31.3.
Variant type: Deletion.
Coding change: c.205_206del on transcript NM_001364905.1 (MANE Select); coding-DNA positions 205 to 206, 2 bases deleted (GT; older notation c.205_206delGT).
Protein change: p.Val69fs; shifts the reading frame from valine 69.
Molecular consequence: frameshift variant.
Genome position (GRCh38, 1-based): chr4:151,014,437-151,014,438, AC deleted on the plus strand (GT on the coding strand, the reverse complement: LRBA is on the minus strand); deleting any 2 consecutive bases within chr4:151,014,437-151,014,439 gives the same sequence; the c. name uses the placement nearest the transcript's 3' end. VCF-style (leftmost placement, unchanged base first): chr4-151014436-GAC-G. GRCh37 (hg19) VCF-style: chr4-151935588-GAC-G.
Other names: c.204_205delTG, p.Val69Leufs (NM_001199282.3, NM_006726.5); c.205_206del, p.Val69fs (NM_001367550.1); short protein forms V69fs.
Identifiers: ClinVar variation 956360 (VCV000956360.7), dbSNP rs1745202896, ClinGen allele CA1139658679.

ClinVar aggregate classification (germline): Pathogenic (1 of 4 stars; one submission).

Conditions:
Combined immunodeficiency due to LRBA deficiency. Also called: Common variable immunodeficiency 8, with autoimmunity. Identifiers: Orphanet 445018, MedGen C3553512, MONDO:0013863, OMIM 614700.

Submission:

Labcorp Genetics (formerly Invitae), Labcorp
Classification: Pathogenic for Combined immunodeficiency due to LRBA deficiency. Last evaluated: 2019-09-29. Review status: criteria provided, single submitter. Criteria: Invitae Variant Classification Sherloc (09022015). Collection method: clinical testing. Allele origin: germline.
Comment: For these reasons, this variant has been classified as Pathogenic. Loss-of-function variants in LRBA are known to be pathogenic (PMID: 26206937, 26768763). This variant has not been reported in the literature in individuals with LRBA-related conditions. This variant is not present in population databases (ExAC no frequency). This sequence change creates a premature translational stop signal (p.Val69Leufs*2) in the LRBA gene. It is expected to result in an absent or disrupted protein product.

Literature cited by the submitters: PubMed 26206937; PubMed 26768763.